The following is an entry in ClinVar:

NM_003640.5(ELP1):c.1129A>G (p.Thr377Ala)

Gene: ELP1 (elongator acetyltransferase complex subunit 1; minus strand). Cytogenetic location: 9q31.3.
Variant type: single nucleotide variant.
Coding change: c.1129A>G on transcript NM_003640.5 (MANE Select); coding-DNA position 1129, A replaced by G.
Protein change: p.Thr377Ala; replaces threonine 377 with alanine.
Molecular consequence: missense variant.
Genome position (GRCh38, 1-based): chr9:108,912,324, T>C on the plus strand (A>G on the coding strand, the complement: ELP1 is on the minus strand). VCF-style: chr9-108912324-T-C. GRCh37 (hg19) VCF-style: chr9-111674604-T-C.
Other names: c.787A>G, p.Thr263Ala (NM_001318360.2); c.82A>G, p.Thr28Ala (NM_001330749.2); short protein forms T263A, T28A, T377A.
Identifiers: ClinVar variation 1800255 (VCV001800255.5), dbSNP rs34487171, ClinGen allele CA5175114.

ClinVar aggregate classification (germline): Uncertain significance. Review status: criteria provided, multiple submitters, no conflicts (2 of 4 stars). 3 submissions from 3 submitters: Uncertain significance (3). Last evaluated 2024-06-12.

Conditions:
Familial dysautonomia. Also called: FD; HSAN III. Identifiers: Orphanet 1764, MedGen C0013364, MONDO:0009131, OMIM 223900. Disease mechanism: loss of function.
Medulloblastoma (MDB). Also called: MEDULLOBLASTOMA PREDISPOSITION SYNDROME; Medulloblastoma, somatic. Identifiers: Orphanet 616, MedGen C0025149, MeSH D008527, MONDO:0007959, OMIM 155255, HP:0002885.

Allele frequency attached by ClinVar (database versions not stated): gnomAD exomes 0.00002; ExAC 0.00008; gnomAD 0.00016; TOPMed 0.00019; ESP Exome Variant Server 0.00023; 1000 Genomes Project 30x 0.00047; 1000 Genomes Project 0.00060.
gnomAD v4.1: 47 of 1,614,140 alleles (0.0029%); highest among the groups gnomAD compares: African/African-American, 0.056%; no homozygotes.

Submissions (3):

Fulgent Genetics
Classification: Uncertain significance for Medulloblastoma; Familial dysautonomia. Last evaluated: 2024-06-12. Review status: criteria provided, single submitter. Criteria: ACMG Guidelines, 2015. Collection method: clinical testing. Allele origin: germline.

Ambry Genetics
Classification: Uncertain significance. Last evaluated: 2023-12-11. Review status: criteria provided, single submitter. Criteria: Ambry Variant Classification Scheme 2023. Collection method: clinical testing. Allele origin: germline.

Labcorp Genetics (formerly Invitae), Labcorp
Classification: Uncertain significance. Last evaluated: 2022-02-21. Review status: criteria provided, single submitter. Criteria: Invitae Variant Classification Sherloc (09022015). Collection method: clinical testing. Allele origin: germline.
Comment: This sequence change replaces threonine, which is neutral and polar, with alanine, which is neutral and non-polar, at codon 377 of the ELP1 protein (p.Thr377Ala). This variant is present in population databases (rs34487171, gnomAD 0.05%). This variant has not been reported in the literature in individuals affected with ELP1-related conditions. Algorithms developed to predict the effect of missense changes on protein structure and function are either unavailable or do not agree on the potential impact of this missense change (SIFT: "Tolerated"; PolyPhen-2: "Probably Damaging"; Align-GVGD: "Class C0"). In summary, the available evidence is currently insufficient to determine the role of this variant in disease. Therefore, it has been classified as a Variant of Uncertain Significance.